The following is an entry in ClinVar:

NM_000069.3(CACNA1S):c.4531C>T (p.Pro1511Ser)

Gene: CACNA1S (calcium voltage-gated channel subunit alpha1 S; minus strand). Cytogenetic location: 1q32.1.
Variant type: single nucleotide variant.
Coding change: c.4531C>T on transcript NM_000069.3 (MANE Select); coding-DNA position 4531, C replaced by T.
Protein change: p.Pro1511Ser; replaces proline 1511 with serine.
Molecular consequence: missense variant.
Genome position (GRCh38, 1-based): chr1:201,047,537, G>A on the plus strand (C>T on the coding strand, the complement: CACNA1S is on the minus strand). VCF-style: chr1-201047537-G-A. GRCh37 (hg19) VCF-style: chr1-201016665-G-A.
Other names: short protein forms P1511S.
Identifiers: ClinVar variation 4086592 (VCV004086592.1).

ClinVar aggregate classification (germline): Uncertain significance (1 of 4 stars; one submission).

Submission:

GeneDx
Classification: Uncertain significance. Last evaluated: 2025-03-18. Review status: criteria provided, single submitter. Criteria: GeneDx Variant Classification Process June 2021. Collection method: clinical testing. Allele origin: germline. Affected: yes.
Comment: Not observed at significant frequency in large population cohorts (gnomAD); In silico analysis supports that this missense variant has a deleterious effect on protein structure/function; Has not been previously published as pathogenic or benign to our knowledge